The following is an entry in ClinVar:

NM_031272.5(TEX14):c.1380dup (p.Ala461fs)

Gene: TEX14 (testis expressed 14, intercellular bridge forming factor; minus strand). Cytogenetic location: 17q22.
Variant type: Duplication.
Coding change: c.1380dup on transcript NM_031272.5 (MANE Select); coding-DNA position 1380, one base duplicated (A; older notation c.1380dupA).
Protein change: p.Ala461fs; shifts the reading frame from alanine 461.
Molecular consequence: frameshift variant.
Genome position (GRCh38, 1-based): chr17:58,602,547, T duplicated on the plus strand (A on the coding strand, the reverse complement: TEX14 is on the minus strand); the first of 6 consecutive T bases (chr17:58,602,547-58,602,552); duplicating any one gives the same sequence. VCF-style (leftmost placement, unchanged base first): chr17-58602546-C-CT. GRCh37 (hg19) VCF-style: chr17-56679907-C-CT.
Other names: c.1398dup, p.Ala467fs (NM_001201457.2); c.1380dup, p.Ala461fs (NM_198393.4); short protein forms A461fs, A467fs.
Identifiers: ClinVar variation 4850313 (VCV004850313.1).

ClinVar aggregate classification (germline): Likely pathogenic (1 of 4 stars; one submission).

Conditions:
Spermatogenic failure 23. Identifiers: MedGen C4540185, MONDO:0054727, OMIM 617707.

Submission:

First Genomix Gene Laboratory, Genetic Diagnostics Department
Classification: Likely pathogenic for Spermatogenic failure 23. Last evaluated: 2025-09-15. Review status: criteria provided, single submitter. Criteria: ACMG Guidelines, 2015. Collection method: clinical testing. Allele origin: germline. Inheritance: Autosomal recessive inheritance. Affected: no. Observed: 1 variant allele.